The following is an entry in ClinVar:

NM_000388.4(CASR):c.816T>G (p.Ser272Arg)

Gene: CASR (calcium sensing receptor; plus strand). Cytogenetic location: 3q21.1.
Variant type: single nucleotide variant.
Coding change: c.816T>G on transcript NM_000388.4 (MANE Select); coding-DNA position 816, T replaced by G.
Protein change: p.Ser272Arg; replaces serine 272 with arginine.
Molecular consequence: missense variant.
Genome position (GRCh38, 1-based): chr3:122,261,851, T>G. VCF-style: chr3-122261851-T-G. GRCh37 (hg19) VCF-style: chr3-121980698-T-G.
Other names: c.816T>G, p.Ser272Arg (NM_001178065.2); short protein forms S272R.
Identifiers: ClinVar variation 4785188 (VCV004785188.1).

ClinVar aggregate classification (germline): Uncertain significance (1 of 4 stars; one submission).

Conditions:
Autosomal dominant hypocalcemia 1 (HYPOC1). Also called: HYPOCALCEMIA, FAMILIAL. Identifiers: MedGen C3715128, MONDO:0011013, OMIM 601198.
Familial hypocalciuric hypercalcemia (FHH). Also called: Familial benign hypercalcemia. Identifiers: Orphanet 405, MedGen C1809471, MONDO:0018458.

Submission:

Labcorp Genetics (formerly Invitae), Labcorp
Classification: Uncertain significance for Familial hypocalciuric hypercalcemia; Autosomal dominant hypocalcemia 1. Last evaluated: 2025-06-05. Review status: criteria provided, single submitter. Criteria: Invitae Variant Classification Sherloc (09022015). Collection method: clinical testing. Allele origin: germline.
Comment: This sequence change replaces serine, which is neutral and polar, with arginine, which is basic and polar, at codon 272 of the CASR protein (p.Ser272Arg). This variant is not present in population databases (gnomAD no frequency). This variant has not been reported in the literature in individuals affected with CASR-related conditions. An algorithm developed to predict the effect of missense changes on protein structure and function (PolyPhen-2) suggests that this variant is likely to be disruptive. In summary, the available evidence is currently insufficient to determine the role of this variant in disease. Therefore, it has been classified as a Variant of Uncertain Significance.